The following is an entry in ClinVar:

NM_020366.4(RPGRIP1):c.800+1G>A

Gene: RPGRIP1 (RPGR interacting protein 1; plus strand). Cytogenetic location: 14q11.2.
Variant type: single nucleotide variant.
Coding change: c.800+1G>A on transcript NM_020366.4 (MANE Select); the canonical splice donor site of the intron after coding-DNA position 800, G replaced by A.
Molecular consequence: splice donor variant.
Genome position (GRCh38, 1-based): chr14:21,303,544, G>A. VCF-style: chr14-21303544-G-A. GRCh37 (hg19) VCF-style: chr14-21771703-G-A.
Identifiers: ClinVar variation 803002 (VCV000803002.53), dbSNP rs376500610, ClinGen allele CA7088745.
Genomic context (GRCh38, chr14:21,303,544, plus strand): 5'-AGATGAAAATTTTGAACAGAGAAGCTCATTGGAGTGTGCTCAGAAGGCTGCAGAGCTTCG[G>A]TAAGAGTGTGGCACTCCATGCCTCAAACCAAAACGAACTGAAAAAGCTAAGAGATTCTTA-3'

ClinVar aggregate classification (germline): Pathogenic/Likely pathogenic. Review status: criteria provided, multiple submitters, no conflicts (2 of 4 stars). 8 submissions from 7 submitters: Pathogenic (7); Likely pathogenic (1). Last evaluated 2025-04-10.

Conditions:
Leber congenital amaurosis 6 (LCA6). Identifiers: Orphanet 65, MedGen C1854260, MONDO:0013446, OMIM 613826.
Cone-rod dystrophy 13 (CORD13). Identifiers: Orphanet 1872, MedGen C2750720, MONDO:0011987, OMIM 608194.
RPGRIP1-related disorder. Also called: RPGRIP1-related condition.
Retinal dystrophy. Also called: Inherited retinal dystrophy. Identifiers: Orphanet 71862, MedGen C0854723, MeSH D058499, MONDO:0019118, HP:0000556.
Leber congenital amaurosis 1 (LCA1). Also called: RETINAL BLINDNESS, CONGENITAL; Congenital absence of the rods and cones; Leber's congenital tapetoretinal degeneration; Leber's congenital tapetoretinal dysplasia; AMAUROSIS CONGENITA OF LEBER I. Identifiers: Orphanet 65, MedGen C2931258, MONDO:0008764, OMIM 204000.

Allele frequency attached by ClinVar (database versions not stated): gnomAD 0.00001; gnomAD exomes 0.00001 and 0.00002; ExAC 0.00002; TOPMed 0.00002; ESP Exome Variant Server 0.00008.
gnomAD v4.1: 35 of 1,611,518 alleles (0.0022%); highest among the groups gnomAD compares: Non-Finnish European, 0.0027%; no homozygotes.

Submissions (8):

Labcorp Genetics (formerly Invitae), Labcorp
Classification: Pathogenic for Leber congenital amaurosis 6; Cone-rod dystrophy 13. Last evaluated: 2025-04-10. Review status: criteria provided, single submitter. Criteria: Invitae Variant Classification Sherloc (09022015). Collection method: clinical testing. Allele origin: germline.
Comment: This sequence change affects a donor splice site in intron 5 of the RPGRIP1 gene. It is expected to disrupt RNA splicing. Variants that disrupt the donor or acceptor splice site typically lead to a loss of protein function (PMID: 16199547), and loss-of-function variants in RPGRIP1 are known to be pathogenic (PMID: 11528500, 23105016). This variant is present in population databases (rs376500610, gnomAD 0.003%). Disruption of this splice site has been observed in individuals with Leber congenital amaurosis (PMID: 30576320, 32865313). This variant is also known as IVS5+1G>A. ClinVar contains an entry for this variant (Variation ID: 803002). Algorithms developed to predict the effect of sequence changes on RNA splicing suggest that this variant may disrupt the consensus splice site. For these reasons, this variant has been classified as Pathogenic.

PreventionGenetics, part of Exact Sciences
Classification: Pathogenic for RPGRIP1-related condition. Last evaluated: 2025-02-23. Review status: criteria provided, single submitter. Criteria: ACMG Guidelines, 2015. Collection method: clinical testing. Allele origin: germline.
Comment: The RPGRIP1 c.800+1G>A variant is predicted to disrupt the GT donor site and interfere with normal splicing. This variant was previously reported, in the homozygous state or in the heterozygous state along with another probable causative variant in the same gene, in individuals with Leber congenital amaurosis (see, for example, Weisschuh et al. 2018. PubMed ID: 30576320; Sallum et al. 2020. PubMed ID: 32865313; supplementary data, Panneman et al. 2023. PubMed ID: 36819107). This variant was also reported in large cohorts of individuals with retinal disease (reported as IVS5+1G>A, Zernant et al. 2005. PubMed ID: 16123401; Karali et al. 2022. PubMed ID: 36460718). This variant is reported in 0.0029% of alleles in individuals of Latino descent in gnomAD. Variants that disrupt the consensus splice donor site in RPGRIP1 are expected to be pathogenic. This variant is interpreted as pathogenic.

Genome-Nilou Lab
Classification: Pathogenic for Leber congenital amaurosis 6. Last evaluated: 2021-11-07. Review status: criteria provided, single submitter. Criteria: ACMG Guidelines, 2015. Collection method: clinical testing. Allele origin: germline. Affected: no.

Genome-Nilou Lab
Classification: Pathogenic for Cone-rod dystrophy 13. Last evaluated: 2021-11-07. Review status: criteria provided, single submitter. Criteria: ACMG Guidelines, 2015. Collection method: clinical testing. Allele origin: germline. Affected: no.

Blueprint Genetics
Classification: Pathogenic for RPGRIP1-related disorders. Last evaluated: 2021-09-26. Review status: criteria provided, single submitter. Criteria: ACMG Guidelines, 2015. Collection method: clinical testing. Allele origin: germline. Affected: yes. Observed: 5 variant alleles.

Institute of Human Genetics, Univ. Regensburg, Univ. Regensburg
Classification: Pathogenic for Retinal dystrophy. Last evaluated: 2021-01-01. Review status: criteria provided, single submitter. Criteria: ACMG Guidelines, 2015. Collection method: clinical testing. Allele origin: germline. Affected: yes.

Mendelics
Classification: Pathogenic for Leber congenital amaurosis 1. Last evaluated: 2019-05-28. Review status: criteria provided, single submitter. Criteria: Mendelics Assertion Criteria 2017. Collection method: clinical testing. Allele origin: unknown.

CeGaT Center for Human Genetics Tuebingen
Classification: Likely pathogenic. Last evaluated: 2017-09-01. Review status: criteria provided, single submitter. Criteria: CeGaT Center For Human Genetics Tuebingen Variant Classification Criteria Version 2. Collection method: clinical testing. Allele origin: germline. Affected: yes. Observed: 2 variant alleles.

Literature cited by the submitters: PubMed 16199547 (cited by Labcorp Genetics (formerly Invitae), Labcorp); PubMed 11528500 (cited by Labcorp Genetics (formerly Invitae), Labcorp); PubMed 23105016 (cited by Labcorp Genetics (formerly Invitae), Labcorp); PubMed 30576320 (cited by Labcorp Genetics (formerly Invitae), Labcorp and Institute of Human Genetics, Univ. Regensburg, Univ. Regensburg); PubMed 32865313 (cited by Labcorp Genetics (formerly Invitae), Labcorp and Institute of Human Genetics, Univ. Regensburg, Univ. Regensburg); PubMed 16123401 (cited by Institute of Human Genetics, Univ. Regensburg, Univ. Regensburg); PubMed 25525159 (cited by Institute of Human Genetics, Univ. Regensburg, Univ. Regensburg); PubMed 31964843 (cited by Institute of Human Genetics, Univ. Regensburg, Univ. Regensburg); PubMed 31980526 (cited by Institute of Human Genetics, Univ. Regensburg, Univ. Regensburg); PubMed 32531858 (cited by Institute of Human Genetics, Univ. Regensburg, Univ. Regensburg); PubMed 36460718 (cited by Institute of Human Genetics, Univ. Regensburg, Univ. Regensburg); PubMed 36819107 (cited by Institute of Human Genetics, Univ. Regensburg, Univ. Regensburg).